The following is an entry in ClinVar:

NM_000540.3(RYR1):c.6719G>T (p.Cys2240Phe)

Gene: RYR1 (ryanodine receptor 1; plus strand). Cytogenetic location: 19q13.2.
Variant type: single nucleotide variant.
Coding change: c.6719G>T on transcript NM_000540.3 (MANE Select); coding-DNA position 6719, G replaced by T.
Protein change: p.Cys2240Phe; replaces cysteine 2240 with phenylalanine.
Molecular consequence: missense variant.
Genome position (GRCh38, 1-based): chr19:38,496,464, G>T. VCF-style: chr19-38496464-G-T. GRCh37 (hg19) VCF-style: chr19-38987104-G-T.
Other names: c.6719G>T, p.Cys2240Phe (NM_001042723.2); short protein forms C2240F.
Identifiers: ClinVar variation 1313681 (VCV001313681.2), dbSNP rs2145586442, ClinGen allele CA405666283.

ClinVar aggregate classification (germline): Uncertain significance (1 of 4 stars; one submission).

Submission:

GeneDx
Classification: Uncertain significance. Last evaluated: 2020-12-15. Review status: criteria provided, single submitter. Criteria: GeneDx Variant Classification Process June 2021. Collection method: clinical testing. Allele origin: germline. Affected: yes.
Comment: Has not been previously published as pathogenic or benign to our knowledge; Not observed in large population cohorts (Lek et al., 2016); In silico analysis supports that this missense variant has a deleterious effect on protein structure/function